The following is an entry in ClinVar:

Conditions:
Breast-ovarian cancer, familial, susceptibility to, 1 (BROVCA1). Also called: BRCA1 Hereditary Breast and Ovarian Cancer; OVARIAN CANCER, SUSCEPTIBILITY TO. Identifiers: Orphanet 145, MedGen C2676676, MONDO:0011450, OMIM 604370. Disease mechanism: loss of function.

Submission:

Brotman Baty Institute, University of Washington
No classification provided (evidence only). Condition: Breast-ovarian cancer, familial 1. Review status: no classification provided. Collection method: in vitro. Allele origin: not applicable. Functional consequence: functionally_normal.
ClinVar note: "not provided" was previously submitted as the classification for the variant. However, the classification appeared to be based only on an observation of functional data so it was converted to no classification on 2025-07-30.

NM_007294.4(BRCA1):c.5406+17C>G

Gene: BRCA1 (BRCA1 DNA repair associated; minus strand). Cytogenetic location: 17q21.31.
Variant type: single nucleotide variant.
Coding change: c.5406+17C>G on transcript NM_007294.4 (MANE Select); 17 bases into the intron after coding-DNA position 5406, C replaced by G.
Molecular consequence: intron variant.
Genome position (GRCh38, 1-based): chr17:43,049,104, G>C on the plus strand (C>G on the coding strand, the complement: BRCA1 is on the minus strand). VCF-style: chr17-43049104-G-C. GRCh37 (hg19) VCF-style: chr17-41201121-G-C.
Other names: c.1953+17C>G (NM_001408458.1, NM_001408461.1, NM_001408464.1 and 7 more transcripts); c.4515+17C>G (NM_001407967.1); c.5025+17C>G (NM_001407959.1); c.5139+17C>G (NM_001407931.1, NM_001407932.1, NM_001407928.1 and 4 more transcripts); c.5262+17C>G (NM_001407747.1, NM_001407745.1, NM_001407737.1 and 18 more transcripts); c.5022+17C>G (NM_001407962.1, NM_001407960.1); c.1593+17C>G (NM_001408512.1); c.1716+17C>G (NM_001408510.1); and 84 more.
Identifiers: ClinVar variation 865447 (VCV000865447.3), dbSNP rs1057522773, ClinGen allele CA916080813.